The following is an entry in ClinVar:

ClinVar aggregate classification (germline): Conflicting classifications of pathogenicity. Review status: criteria provided, conflicting classifications (1 of 4 stars). 2 submissions from 2 submitters: Uncertain significance (1); Likely benign (1). Last evaluated 2025-07-06.

Conditions:
Inborn genetic diseases. Identifiers: MedGen C0950123, MeSH D030342.
Acute myeloid leukemia (AML). Also called: Acute myeloid leukemia, adult; AML adult; Acute non-lymphocytic leukemia; Acute granulocytic leukemia; Leukemia, acute myeloid, somatic; Leukemia, acute myelogenous, somatic. Identifiers: Orphanet 519, MedGen C0023467, MeSH D015470, MONDO:0018874, OMIM 601626, HP:0004808. Disease mechanism: Constitutively activated FLT3.

Allele frequency attached by ClinVar (database versions not stated): gnomAD exomes below 0.00001; TOPMed below 0.00001; gnomAD 0.00001.

Submissions (2):

Labcorp Genetics (formerly Invitae), Labcorp
Classification: Uncertain significance for Acute myeloid leukemia. Last evaluated: 2025-07-06. Review status: criteria provided, single submitter. Criteria: Invitae Variant Classification Sherloc (09022015). Collection method: clinical testing. Allele origin: germline.
Comment: This sequence change replaces proline, which is neutral and non-polar, with leucine, which is neutral and non-polar, at codon 51 of the CEBPA protein (p.Pro51Leu). This variant is not present in population databases (gnomAD no frequency). This variant has not been reported in the literature in individuals affected with CEBPA-related conditions. ClinVar contains an entry for this variant (Variation ID: 863718). Invitae Evidence Modeling of protein sequence and biophysical properties (such as structural, functional, and spatial information, amino acid conservation, physicochemical variation, residue mobility, and thermodynamic stability) indicates that this missense variant is not expected to disrupt CEBPA protein function with a negative predictive value of 80%. In summary, the available evidence is currently insufficient to determine the role of this variant in disease. Therefore, it has been classified as a Variant of Uncertain Significance.

Ambry Genetics
Classification: Likely benign for Inborn genetic diseases. Last evaluated: 2025-02-26. Review status: criteria provided, single submitter. Criteria: Ambry Variant Classification Scheme 2023. Collection method: clinical testing. Allele origin: germline.

NM_004364.5(CEBPA):c.152C>T (p.Pro51Leu)

Gene: CEBPA (CCAAT enhancer binding protein alpha; minus strand). Cytogenetic location: 19q13.11.
Variant type: single nucleotide variant.
Coding change: c.152C>T on transcript NM_004364.5 (MANE Select); coding-DNA position 152, C replaced by T.
Protein change: p.Pro51Leu; replaces proline 51 with leucine.
Molecular consequence: missense variant. On other transcripts: 5 prime UTR variant (1).
Genome position (GRCh38, 1-based): chr19:33,302,263, G>A on the plus strand (C>T on the coding strand, the complement: CEBPA is on the minus strand). VCF-style: chr19-33302263-G-A. GRCh37 (hg19) VCF-style: chr19-33793169-G-A.
Other names: c.-206C>T (NM_001285829.2); c.257C>T, p.Pro86Leu (NM_001287424.2); c.110C>T, p.Pro37Leu (NM_001287435.2); c.152C>T (NM_004364.3); short protein forms P86L, P37L, P51L.
Identifiers: ClinVar variation 863718 (VCV000863718.9), dbSNP rs1341205888, ClinGen allele CA405275568.